The following is an entry in ClinVar:

NM_201384.3(PLEC):c.10000G>A (p.Gly3334Ser)

Gene: PLEC (plectin; minus strand). Cytogenetic location: 8q24.3.
Variant type: single nucleotide variant.
Coding change: c.10000G>A on transcript NM_201384.3 (MANE Select); coding-DNA position 10000, G replaced by A.
Protein change: p.Gly3334Ser; replaces glycine 3334 with serine.
Molecular consequence: missense variant.
Genome position (GRCh38, 1-based): chr8:143,919,821, C>T on the plus strand (G>A on the coding strand, the complement: PLEC is on the minus strand). VCF-style: chr8-143919821-C-T. GRCh37 (hg19) VCF-style: chr8-144993989-C-T.
Other names: c.10081G>A, p.Gly3361Ser (NM_000445.5); c.9958G>A, p.Gly3320Ser (NM_201378.4); c.9934G>A, p.Gly3312Ser (NM_201379.3); c.10411G>A, p.Gly3471Ser (NM_201380.4); c.9904G>A, p.Gly3302Ser (NM_201381.3); c.10000G>A, p.Gly3334Ser (NM_201382.4); c.10012G>A, p.Gly3338Ser (NM_201383.3); short protein forms G3312S, G3320S, G3334S, G3338S, G3302S, G3361S, G3471S.
Identifiers: ClinVar variation 851500 (VCV000851500.11), dbSNP rs202003084, ClinGen allele CA4924794.

ClinVar aggregate classification (germline): Uncertain significance. Review status: criteria provided, multiple submitters, no conflicts (2 of 4 stars). 3 submissions from 3 submitters: Uncertain significance (3). Last evaluated 2025-04-04.

Conditions:
Autosomal recessive limb-girdle muscular dystrophy type 2Q (LGMDR17). Also called: MUSCULAR DYSTROPHY, LIMB-GIRDLE, AUTOSOMAL RECESSIVE 17. Identifiers: Orphanet 254361, MedGen C3150989, MONDO:0013390, OMIM 613723.
Epidermolysis bullosa simplex 5B, with muscular dystrophy (EBS5B). Also called: Epidermolysis bullosa simplex with muscular dystrophy; EPIDERMOLYSIS BULLOSA SIMPLEX AND LIMB-GIRDLE MUSCULAR DYSTROPHY. Identifiers: Orphanet 257, MedGen C2931072, MONDO:0009181, OMIM 226670.
Epidermolysis bullosa simplex, Ogna type (EBS5A). Also called: Pidermolysis bullosa simplex 5A, Ogna type; EPIDERMOLYSIS BULLOSA SIMPLEX 5A, OGNA TYPE. Identifiers: Orphanet 79401, MedGen C0432317, MONDO:0007555, OMIM 131950.
Epidermolysis bullosa simplex 5C, with pyloric atresia (EBS5C). Also called: PLEC1-Related Epidermolysis Bullosa with Pyloric Atresia; Epidermolysis bullosa simplex with pyloric atresia; PLEC-Related Epidermolysis Bullosa with Pyloric Atresia. Identifiers: Orphanet 158684, MedGen C2677349, MONDO:0012807, OMIM 612138.
Epidermolysis bullosa simplex with nail dystrophy (EBS5D). Identifiers: MedGen C4225309, MONDO:0014661, OMIM 616487.

Allele frequency attached by ClinVar (database versions not stated): ExAC 0.00006; TOPMed 0.00010; gnomAD 0.00011 and 0.00013; ESP Exome Variant Server 0.00024.
gnomAD v4.1: 56 of 1,612,992 alleles (0.0035%); highest among the groups gnomAD compares: African/African-American, 0.02%; no homozygotes.

Submissions (3):

Labcorp Genetics (formerly Invitae), Labcorp
Classification: Uncertain significance for Autosomal recessive limb-girdle muscular dystrophy type 2Q; Epidermolysis bullosa simplex, Ogna type; Epidermolysis bullosa simplex with nail dystrophy; Epidermolysis bullosa simplex 5C, with pyloric atresia; Epidermolysis bullosa simplex 5B, with muscular dystrophy. Last evaluated: 2025-04-04. Review status: criteria provided, single submitter. Criteria: Invitae Variant Classification Sherloc (09022015). Collection method: clinical testing. Allele origin: germline.
Comment: This sequence change replaces glycine, which is neutral and non-polar, with serine, which is neutral and polar, at codon 3361 of the PLEC protein (p.Gly3361Ser). The frequency data for this variant in the population databases is considered unreliable, as metrics indicate poor data quality at this position in the gnomAD database. This variant has not been reported in the literature in individuals affected with PLEC-related conditions. ClinVar contains an entry for this variant (Variation ID: 851500). An algorithm developed to predict the effect of missense changes on protein structure and function (PolyPhen-2) suggests that this variant is likely to be disruptive. In summary, the available evidence is currently insufficient to determine the role of this variant in disease. Therefore, it has been classified as a Variant of Uncertain Significance.

Athena Diagnostics
Classification: Uncertain significance. Last evaluated: 2022-01-11. Review status: criteria provided, single submitter. Criteria: Athena Diagnostics Criteria. Collection method: clinical testing. Allele origin: unknown.

Revvity Omics, Revvity
Classification: Uncertain significance. Last evaluated: 2021-03-22. Review status: criteria provided, single submitter. Criteria: ACMG Guidelines, 2015. Collection method: clinical testing. Allele origin: germline.